The following is an entry in ClinVar:

NM_000257.4(MYH7):c.5469_5471delinsATG (p.Asn1824Cys)

Gene: MYH7 (myosin heavy chain 7; minus strand). Cytogenetic location: 14q11.2.
Variant type: Indel.
Coding change: c.5469_5471delinsATG on transcript NM_000257.4 (MANE Select); coding-DNA positions 5469 to 5471, GAA replaced by ATG.
Protein change: p.Asn1824Cys; replaces asparagine 1824 with cysteine.
Molecular consequence: missense variant.
Genome position (GRCh38, 1-based): chr14:23,415,083-23,415,085, TTC replaced by CAT on the plus strand (GAA replaced by ATG on the coding strand, the reverse complement: MYH7 is on the minus strand). VCF-style: chr14-23415083-TTC-CAT. GRCh37 (hg19) VCF-style: chr14-23884292-TTC-CAT.
Other names: short protein forms N1824C.
Identifiers: ClinVar variation 403209 (VCV000403209.13), dbSNP rs1060499881, ClinGen allele CA16609761.

ClinVar aggregate classification (germline): Uncertain significance. Review status: criteria provided, multiple submitters, no conflicts (2 of 4 stars). 5 submissions from 5 submitters: Uncertain significance (5). Last evaluated 2025-12-08.

Conditions:
Cardiomyopathy (CMYO). Also called: Cardiomyopathies. Identifiers: Orphanet 167848, MedGen C0878544, MONDO:0004994, HP:0001638. Inheritance: Various modes of inheritance.
Hypertrophic cardiomyopathy. Also called: HYPERTROPHIC MYOCARDIOPATHY. Identifiers: Orphanet 217569, MedGen C0007194, MeSH D002312, MONDO:0005045, HP:0001639.

Submissions (5):

Color Diagnostics, LLC DBA Color Health
Classification: Uncertain significance for Cardiomyopathy. Last evaluated: 2025-12-08. Review status: criteria provided, single submitter. Criteria: ACMG Guidelines, 2015. Collection method: clinical testing. Allele origin: germline.
Comment: This missense variant replaces asparagine with cysteine at codon 1824 of the MYH7 protein. To our knowledge, functional studies have not been performed for this variant. This variant has been reported in an individual affected with hypertrophic cardiomyopathy (PMID: 21750094). This variant has not been identified in the general population by the Genome Aggregation Database (gnomAD). The available evidence is insufficient to determine the role of this variant in disease conclusively. Therefore, this variant is classified as a Variant of Uncertain Significance.

GeneDx
Classification: Uncertain significance. Last evaluated: 2025-02-13. Review status: criteria provided, single submitter. Criteria: GeneDx Variant Classification Process June 2021. Collection method: clinical testing. Allele origin: germline. Affected: yes.
Comment: Same amino acid substitution caused by a different change (c.5470_5471delAAinsTG) reported in a patient with HCM; however, specific clinical information was not provided (PMID: 21750094); In silico analysis indicates that this variant does not alter protein structure/function; Not observed at significant frequency in large population cohorts (gnomAD); This variant is associated with the following publications: (PMID: 21750094)

Labcorp Genetics (formerly Invitae), Labcorp
Classification: Uncertain significance for Hypertrophic cardiomyopathy. Last evaluated: 2024-09-29. Review status: criteria provided, single submitter. Criteria: Invitae Variant Classification Sherloc (09022015). Collection method: clinical testing. Allele origin: germline.
Comment: This sequence change replaces asparagine, which is neutral and polar, with cysteine, which is neutral and slightly polar, at codon 1824 of the MYH7 protein (p.Asn1824Cys). Information on the frequency of this variant in the gnomAD database is not available, as this variant may be reported differently in the database. This missense change has been observed in individual(s) with hypertrophic cardiomyopathy (PMID: 21750094). ClinVar contains an entry for this variant (Variation ID: 403209). Experimental studies and prediction algorithms are not available or were not evaluated, and the functional significance of this variant is currently unknown. In summary, the available evidence is currently insufficient to determine the role of this variant in disease. Therefore, it has been classified as a Variant of Uncertain Significance.

AiLife Diagnostics
Classification: Uncertain significance. Last evaluated: 2021-09-08. Review status: criteria provided, single submitter. Criteria: ACMG Guidelines, 2015. Collection method: clinical testing. Allele origin: germline. Affected: yes. Observed: 1 variant allele.

Laboratory for Molecular Medicine, Mass General Brigham Personalized Medicine
Classification: Uncertain significance. Last evaluated: 2016-12-20. Review status: criteria provided, single submitter. Criteria: LMM Criteria. Collection method: clinical testing. Allele origin: germline.
Comment: Variant identified in a genome or exome case(s) and assessed due to predicted null impact of the variant or pathogenic assertions in the literature or databases. Disclaimer: This variant has not undergone full assessment. The following are preliminary notes: This is a missense variant made up of 3 consecutive substitutions. The three together have not been reported in any affected individuals. It is not present in ExAC, gnomAD or ClinVar.

Literature cited by the submitters: PubMed 21750094 (cited by Color Diagnostics, LLC DBA Color Health and Labcorp Genetics (formerly Invitae), Labcorp).